The following is an entry in ClinVar:

ClinVar aggregate classification (germline): Likely benign (1 of 4 stars; one submission).

Allele frequency attached by ClinVar (database versions not stated): gnomAD 0.00024; TOPMed 0.00036.

Submission:

CeGaT Center for Human Genetics Tuebingen
Classification: Likely benign. Last evaluated: 2024-09-01. Review status: criteria provided, single submitter. Criteria: CeGaT Center For Human Genetics Tuebingen Variant Classification Criteria Version 2. Collection method: clinical testing. Allele origin: germline. Affected: yes. Observed: 2 variant alleles.
Comment: CENPVL3: BP4, BP7

NM_001355276.2(CENPVL3):c.324A>G (p.Lys108=)

Gene: CENPVL3 (centromere protein V like 3; minus strand). Cytogenetic location: Xp11.22.
Variant type: single nucleotide variant.
Coding change: c.324A>G on transcript NM_001355276.2 (MANE Select); coding-DNA position 324, A replaced by G.
Protein change: p.Lys108=; no amino-acid change (lysine 108 retained).
Molecular consequence: synonymous variant.
Genome position (GRCh38, 1-based): chrX:51,618,550, T>C on the plus strand (A>G on the coding strand, the complement: CENPVL3 is on the minus strand). VCF-style: chrX-51618550-T-C. GRCh37 (hg19) VCF-style: chrX-51361402-T-C.
Identifiers: ClinVar variation 2660569 (VCV002660569.24), dbSNP rs1375064161, ClinGen allele CA516499503.